The following is an entry in ClinVar:

NM_001039141.3(TRIOBP):c.6324+194A>G

Gene: TRIOBP (TRIO and F-actin binding protein; plus strand). Cytogenetic location: 22q13.1.
Variant type: single nucleotide variant.
Coding change: c.6324+194A>G on transcript NM_001039141.3 (MANE Select); 194 bases into the intron after coding-DNA position 6324, A replaced by G.
Molecular consequence: intron variant. On other transcripts: synonymous variant (1).
Genome position (GRCh38, 1-based): chr22:37,759,458, A>G. VCF-style: chr22-37759458-A-G. GRCh37 (hg19) VCF-style: chr22-38155465-A-G.
Other names: c.1227A>G, p.Pro409= (NM_138632.2); c.1185+194A>G (NM_007032.5).
Identifiers: ClinVar variation 165607 (VCV000165607.6), dbSNP rs727503526, ClinGen allele CA178354.
Genomic context (GRCh38, chr22:37,759,458, plus strand): 5'-TCATTTACTCTCCCCACAGCTGGTGGGCGTGATCACTGTGCCCGTTTTACAGACAAGGCC[A>G]CTGAGCTCTGAGAGGTTATGTGACTTGCCCAAGGTCACCCCGCCTGCAGGTCTCAAAGGT-3'

ClinVar aggregate classification (germline): Likely benign. Review status: criteria provided, multiple submitters, no conflicts (2 of 4 stars). 2 submissions from 2 submitters: Likely benign (2). Last evaluated 2021-06-16.

Allele frequency attached by ClinVar (database versions not stated): gnomAD 0.00002 and 0.00003; gnomAD exomes 0.00009 and 0.00020; ExAC 0.00014; TOPMed 0.00016.
gnomAD v4.1: 58 of 1,504,548 alleles (0.0039%); highest among the groups gnomAD compares: Admixed American, 0.094%; no homozygotes.

Submissions (2):

Blueprint Genetics
Classification: Likely benign. Last evaluated: 2021-06-16. Review status: criteria provided, single submitter. Criteria: ACMG Guidelines, 2015. Collection method: clinical testing. Allele origin: germline.

Laboratory for Molecular Medicine, Mass General Brigham Personalized Medicine
Classification: Likely benign. Last evaluated: 2014-06-30. Review status: criteria provided, single submitter. Criteria: LMM Criteria. Collection method: clinical testing. Allele origin: germline. Observed: 1 variant allele.
Comment: Pro409Pro in exon 17A of TRIOBP: This variant is not expected to have clinical significance because it does not alter an amino acid residue and is not located within the splice consensus sequence.